The following is an entry in ClinVar:

NM_203446.3(SYNJ1):c.2131T>C (p.Leu711=)

Gene: SYNJ1 (synaptojanin 1; minus strand). Cytogenetic location: 21q22.11.
Variant type: single nucleotide variant.
Coding change: c.2131T>C on transcript NM_203446.3 (MANE Select); coding-DNA position 2131, T replaced by C.
Protein change: p.Leu711=; no amino-acid change (leucine 711 retained).
Molecular consequence: synonymous variant.
Genome position (GRCh38, 1-based): chr21:32,665,957, A>G on the plus strand (T>C on the coding strand, the complement: SYNJ1 is on the minus strand). VCF-style: chr21-32665957-A-G. GRCh37 (hg19) VCF-style: chr21-34038267-A-G.
Other names: c.2131T>C, p.Leu711= (NM_001160302.2); c.2116T>C, p.Leu706= (NM_001160306.2); c.2248T>C, p.Leu750= (NM_003895.4).
Identifiers: ClinVar variation 2652602 (VCV002652602.27), dbSNP rs1389768792, ClinGen allele CA512157107.

ClinVar aggregate classification (germline): Likely benign. Review status: criteria provided, multiple submitters, no conflicts (2 of 4 stars). 2 submissions from 2 submitters: Likely benign (2). Last evaluated 2025-02-18.

Conditions:
Developmental and epileptic encephalopathy, 53. Also called: Epileptic encephalopathy, early infantile, 53. Identifiers: MedGen C4479313, MONDO:0033362, OMIM 617389.
Early-onset Parkinson disease 20. Also called: PARKINSON DISEASE 20, AUTOSOMAL RECESSIVE EARLY-ONSET. Identifiers: Orphanet 391411, MedGen C3809824, MONDO:0014233, OMIM 615530.

Allele frequency attached by ClinVar (database versions not stated): gnomAD 0.00001; gnomAD exomes 0.00001; TOPMed 0.00002.
gnomAD v4.1: 11 of 1,608,380 alleles (0.00068%); highest among the groups gnomAD compares: Non-Finnish European, 0.00093%; no homozygotes.

Submissions (2):

Labcorp Genetics (formerly Invitae), Labcorp
Classification: Likely benign for Developmental and epileptic encephalopathy, 53; Early-onset Parkinson disease 20. Last evaluated: 2025-02-18. Review status: criteria provided, single submitter. Criteria: Invitae Variant Classification Sherloc (09022015). Collection method: clinical testing. Allele origin: germline.

CeGaT Center for Human Genetics Tuebingen
Classification: Likely benign. Last evaluated: 2023-05-01. Review status: criteria provided, single submitter. Criteria: CeGaT Center For Human Genetics Tuebingen Variant Classification Criteria Version 2. Collection method: clinical testing. Allele origin: germline. Affected: yes. Observed: 1 variant allele.
Comment: SYNJ1: BP4, BP7